The following is an entry in ClinVar:

ClinVar aggregate classification (germline): Uncertain significance. Review status: criteria provided, multiple submitters, no conflicts (2 of 4 stars). 2 submissions from 2 submitters: Uncertain significance (2). Last evaluated 2022-08-12.

Conditions:
Inborn genetic diseases. Identifiers: MedGen C0950123, MeSH D030342.

Submissions (2):

Labcorp Genetics (formerly Invitae), Labcorp
Classification: Uncertain significance. Last evaluated: 2022-08-12. Review status: criteria provided, single submitter. Criteria: Invitae Variant Classification Sherloc (09022015). Collection method: clinical testing. Allele origin: germline.
Comment: This sequence change replaces valine, which is neutral and non-polar, with phenylalanine, which is neutral and non-polar, at codon 213 of the HPS4 protein (p.Val213Phe). This variant is not present in population databases (gnomAD no frequency). This variant has not been reported in the literature in individuals affected with HPS4-related conditions. ClinVar contains an entry for this variant (Variation ID: 1493052). Algorithms developed to predict the effect of missense changes on protein structure and function are either unavailable or do not agree on the potential impact of this missense change (SIFT: "Deleterious"; PolyPhen-2: "Possibly Damaging"; Align-GVGD: "Class C0"). In summary, the available evidence is currently insufficient to determine the role of this variant in disease. Therefore, it has been classified as a Variant of Uncertain Significance.

Ambry Genetics
Classification: Uncertain significance for Inborn genetic diseases. Last evaluated: 2021-08-02. Review status: criteria provided, single submitter. Criteria: Ambry Variant Classification Scheme 2023. Collection method: clinical testing. Allele origin: germline.

NM_022081.6(HPS4):c.637G>T (p.Val213Phe)

Gene: HPS4 (HPS4 biogenesis of lysosomal organelles complex 3 subunit 2; minus strand). Cytogenetic location: 22q12.1.
Variant type: single nucleotide variant.
Coding change: c.637G>T on transcript NM_022081.6 (MANE Select); coding-DNA position 637, G replaced by T.
Protein change: p.Val213Phe; replaces valine 213 with phenylalanine.
Molecular consequence: missense variant. On other transcripts: non-coding transcript variant (8).
Genome position (GRCh38, 1-based): chr22:26,468,583, C>A on the plus strand (G>T on the coding strand, the complement: HPS4 is on the minus strand). VCF-style: chr22-26468583-C-A. GRCh37 (hg19) VCF-style: chr22-26864549-C-A.
Other names: c.637G>T, p.Val213Phe (NM_001349896.1, NM_001349898.2, NM_001349899.2 and 6 more transcripts); c.622G>T, p.Val208Phe (NM_152841.2); c.637G>T (NM_022081.4); short protein forms V208F, V213F.
Identifiers: ClinVar variation 1493052 (VCV001493052.6), dbSNP rs766791829, ClinGen allele CA322851181.
Genomic context (GRCh38, chr22:26,468,583, plus strand): 5'-CCAGCCAGGTGGGTGGACTTTACAATACCTGCTCCTGAGGTGCTGTTCGGTGAAGCAGGA[C>A]CTTGGCGGTGAGGGAGGGCGGGAGTTGGGTGCTGACAATCCTAGGAGGTCACACACAGAA-3'
Protein context (NP_071364.4, residues 203-223): TQLPPSLTAK[Val213Phe]LLHRTAPQEQ